The following is an entry in ClinVar:

NM_006904.7(PRKDC):c.4174A>G (p.Met1392Val)

Gene: PRKDC (protein kinase, DNA-activated, catalytic subunit; minus strand). Cytogenetic location: 8q11.21.
Variant type: single nucleotide variant.
Coding change: c.4174A>G on transcript NM_006904.7 (MANE Select); coding-DNA position 4174, A replaced by G.
Protein change: p.Met1392Val; replaces methionine 1392 with valine.
Molecular consequence: missense variant.
Genome position (GRCh38, 1-based): chr8:47,889,120, T>C on the plus strand (A>G on the coding strand, the complement: PRKDC is on the minus strand). VCF-style: chr8-47889120-T-C. GRCh37 (hg19) VCF-style: chr8-48801681-T-C.
Other names: c.4174A>G, p.Met1392Val (NM_001081640.2); short protein forms M1392V.
Identifiers: ClinVar variation 1977051 (VCV001977051.3), dbSNP rs2089399668, ClinGen allele CA371146627.
Genomic context (GRCh38, chr8:47,889,120, plus strand): 5'-TGTATGGGGACATCTTTAGAGCTTTCATCAGATTCACACAAACATCAGGAAGATGAGCCA[T>C]AACCTGGACGTCTCCGATGTTGAAACCTATGCTTGCGGGCTCACACAGCGTCTGCACCAG-3'
Protein context (NP_008835.5, residues 1382-1402): IGFNIGDVQV[Met1392Val]AHLPDVCVNL

ClinVar aggregate classification (germline): Uncertain significance (1 of 4 stars; one submission).

Conditions:
Severe combined immunodeficiency due to DNA-PKcs deficiency. Also called: IMMUNODEFICIENCY 26 WITH NEUROLOGIC ABNORMALITIES; Immunodeficiency 26 with or without neurologic abnormalities. Identifiers: Orphanet 317425, MedGen C4014833, MONDO:0014423, OMIM 615966.

Allele frequency attached by ClinVar (database versions not stated): TOPMed below 0.00001; gnomAD 0.00001.

Submission:

Labcorp Genetics (formerly Invitae), Labcorp
Classification: Uncertain significance for Severe combined immunodeficiency due to DNA-PKcs deficiency. Last evaluated: 2022-06-12. Review status: criteria provided, single submitter. Criteria: Invitae Variant Classification Sherloc (09022015). Collection method: clinical testing. Allele origin: germline.
Comment: In summary, the available evidence is currently insufficient to determine the role of this variant in disease. Therefore, it has been classified as a Variant of Uncertain Significance. Experimental studies and prediction algorithms are not available or were not evaluated, and the functional significance of this variant is currently unknown. This variant has not been reported in the literature in individuals affected with PRKDC-related conditions. This variant is not present in population databases (gnomAD no frequency). This sequence change replaces methionine, which is neutral and non-polar, with valine, which is neutral and non-polar, at codon 1392 of the PRKDC protein (p.Met1392Val).